The following is an entry in ClinVar:

ClinVar aggregate classification (germline): Uncertain significance (1 of 4 stars; one submission).

Conditions:
Congenital myasthenic syndrome 8. Also called: Myasthenic syndrome, congenital, 8, with pre- and postsynaptic defects; MYASTHENIC SYNDROME, CONGENITAL, DUE TO AGRIN DEFICIENCY. Identifiers: Orphanet 590, MedGen C3808739, MONDO:0014052, OMIM 615120.

Allele frequency attached by ClinVar (database versions not stated): TOPMed 0.00002; gnomAD 0.00001; gnomAD exomes below 0.00001.
gnomAD v4.1: 7 of 1,609,194 alleles (0.00044%); highest among the groups gnomAD compares: Non-Finnish European, 0.00059%; no homozygotes.

Submission:

Labcorp Genetics (formerly Invitae), Labcorp
Classification: Uncertain significance for Congenital myasthenic syndrome 8. Last evaluated: 2021-11-25. Review status: criteria provided, single submitter. Criteria: Invitae Variant Classification Sherloc (09022015). Collection method: clinical testing. Allele origin: germline.
Comment: In summary, the available evidence is currently insufficient to determine the role of this variant in disease. Therefore, it has been classified as a Variant of Uncertain Significance. Algorithms developed to predict the effect of sequence changes on RNA splicing suggest that this variant may create or strengthen a splice site. Algorithms developed to predict the effect of missense changes on protein structure and function are either unavailable or do not agree on the potential impact of this missense change (SIFT: "Deleterious"; PolyPhen-2: "Possibly Damaging"; Align-GVGD: "Class C0"). This variant has not been reported in the literature in individuals affected with AGRN-related conditions. The frequency data for this variant in the population databases is considered unreliable, as metrics indicate poor data quality at this position in the gnomAD database. This sequence change replaces proline, which is neutral and non-polar, with serine, which is neutral and polar, at codon 346 of the AGRN protein (p.Pro346Ser).

NM_198576.4(AGRN):c.1036C>T (p.Pro346Ser)

Gene: AGRN (agrin; plus strand). Cytogenetic location: 1p36.33.
Variant type: single nucleotide variant.
Coding change: c.1036C>T on transcript NM_198576.4 (MANE Select); coding-DNA position 1036, C replaced by T.
Protein change: p.Pro346Ser; replaces proline 346 with serine.
Molecular consequence: missense variant.
Genome position (GRCh38, 1-based): chr1:1,041,561, C>T. VCF-style: chr1-1041561-C-T. GRCh37 (hg19) VCF-style: chr1-976941-C-T.
Other names: c.1036C>T, p.Pro346Ser (NM_001305275.2); c.721C>T, p.Pro241Ser (NM_001364727.2); short protein forms P346S, P241S.
Identifiers: ClinVar variation 1368842 (VCV001368842.4), dbSNP rs879928015, ClinGen allele CA16751763.
Genomic context (GRCh38, chr1:1,041,561, plus strand): 5'-GACCCGAGCCGCAGCTGCCGTGTGAACCCGCGCACGCGGCGCCCTGAGATGCTCCTACGG[C>T]CCGAGAGCTGCCCTGCCCGGCAGGCGCCAGTGTGTGGGGACGACGGAGTCACCTACGAAA-3'
Protein context (NP_940978.2, residues 336-356): RTRRPEMLLR[Pro346Ser]ESCPARQAPV